The following is an entry in ClinVar:

NM_001387430.1(SH2B1):c.624C>T (p.Thr208=)

Gene: SH2B1 (SH2B adaptor protein 1; plus strand). Cytogenetic location: 16p11.2.
Variant type: single nucleotide variant.
Coding change: c.624C>T on transcript NM_001387430.1 (MANE Select); coding-DNA position 624, C replaced by T.
Protein change: p.Thr208=; no amino-acid change (threonine 208 retained).
Molecular consequence: synonymous variant. On other transcripts: intron variant (1).
Genome position (GRCh38, 1-based): chr16:28,866,718, C>T. VCF-style: chr16-28866718-C-T. GRCh37 (hg19) VCF-style: chr16-28878039-C-T.
Other names: c.624C>T, p.Thr208= (NM_001145795.2, NM_001145796.2, NM_001145797.2 and 4 more transcripts); c.-26-656C>T (NM_001308294.2).
Identifiers: ClinVar variation 3042331 (VCV003042331.3), dbSNP rs541383976, ClinGen allele CA7985971.

ClinVar aggregate classification (germline): Likely benign. Review status: criteria provided, single submitter (1 of 4 stars). 2 submissions from 2 submitters: Likely benign (1). 1 of the submissions does not count toward it. Last evaluated 2025-06-20.

Conditions:
SH2B1-related disorder. Also called: SH2B1-related condition.

Allele frequency attached by ClinVar (database versions not stated): gnomAD 0.00001; gnomAD exomes 0.00003; TOPMed 0.00003; ExAC 0.00004; 1000 Genomes Project 30x 0.00016; 1000 Genomes Project 0.00020.
gnomAD v4.1: 37 of 1,586,930 alleles (0.0023%); highest among the groups gnomAD compares: Admixed American, 0.031%; no homozygotes.

Submissions (2):

Labcorp Genetics (formerly Invitae), Labcorp
Classification: Likely benign. Last evaluated: 2025-06-20. Review status: criteria provided, single submitter. Criteria: Invitae Variant Classification Sherloc (09022015). Collection method: clinical testing. Allele origin: germline.

PreventionGenetics, part of Exact Sciences
Classification: Likely benign for SH2B1-related condition. Last evaluated: 2022-03-22. Review status: no assertion criteria provided. Collection method: clinical testing. Allele origin: germline. Not counted in ClinVar's aggregate classification.
Comment: This variant is classified as likely benign based on ACMG/AMP sequence variant interpretation guidelines (Richards et al. 2015 PMID: 25741868, with internal and published modifications).